The following is an entry in ClinVar:

ClinVar aggregate classification (germline): Uncertain significance (1 of 4 stars; one submission).

Conditions:
Deafness-lymphedema-leukemia syndrome. Also called: Emberger syndrome; Lymphedema, primary, with myelodysplasia. Identifiers: Orphanet 3226, MedGen C3279664, MONDO:0013540, OMIM 614038.
Monocytopenia with susceptibility to infections. Also called: MONOCYTOPENIA AND MYCOBACTERIAL INFECTION SYNDROME; MONOCYTOPENIA WITH SUSCEPTIBILITY TO MYCOBACTERIAL, FUNGAL, AND PAPILLOMAVIRUS INFECTIONS AND MYELODYSPLASIA; COMBINED IMMUNODEFICIENCY WITH SUSCEPTIBILITY TO MYCOBACTERIAL, VIRAL, AND FUNGAL INFECTIONS; IMMUNODEFICIENCY 21; GATA2 DEFICIENCY; Dendritic cell, monocyte, B lymphocyte, and natural killer lymphocyte deficiency. Identifiers: Orphanet 228423, MedGen C3280030, MONDO:0013607, OMIM 614172.

Submission:

Labcorp Genetics (formerly Invitae), Labcorp
Classification: Uncertain significance for Monocytopenia with susceptibility to infections; Deafness-lymphedema-leukemia syndrome. Last evaluated: 2021-03-06. Review status: criteria provided, single submitter. Criteria: Invitae Variant Classification Sherloc (09022015). Collection method: clinical testing. Allele origin: germline.
Comment: This sequence change replaces isoleucine with valine at codon 333 of the GATA2 protein (p.Ile333Val). The isoleucine residue is highly conserved and there is a small physicochemical difference between isoleucine and valine. In summary, the available evidence is currently insufficient to determine the role of this variant in disease. Therefore, it has been classified as a Variant of Uncertain Significance. Algorithms developed to predict the effect of missense changes on protein structure and function are either unavailable or do not agree on the potential impact of this missense change (SIFT: "Deleterious"; PolyPhen-2: "Possibly Damaging"; Align-GVGD: "Class C0"). This variant has not been reported in the literature in individuals with GATA2-related conditions. This variant is not present in population databases (ExAC no frequency).

NM_032638.5(GATA2):c.997A>G (p.Ile333Val)

Gene: GATA2 (GATA binding protein 2; minus strand). Cytogenetic location: 3q21.3.
Variant type: single nucleotide variant.
Coding change: c.997A>G on transcript NM_032638.5 (MANE Select); coding-DNA position 997, A replaced by G.
Protein change: p.Ile333Val; replaces isoleucine 333 with valine.
Molecular consequence: missense variant.
Genome position (GRCh38, 1-based): chr3:128,483,880, T>C on the plus strand (A>G on the coding strand, the complement: GATA2 is on the minus strand). VCF-style: chr3-128483880-T-C. GRCh37 (hg19) VCF-style: chr3-128202723-T-C.
Other names: c.997A>G, p.Ile333Val (NM_001145661.2, NM_001145662.1); short protein forms I333V.
Identifiers: ClinVar variation 1370181 (VCV001370181.8), dbSNP rs2107670322, ClinGen allele CA354404299.